The following is an entry in ClinVar:

NM_015158.5(KANK1):c.103A>G (p.Thr35Ala)

Gene: KANK1 (KN motif and ankyrin repeat domains 1; plus strand). Cytogenetic location: 9p24.3.
Variant type: single nucleotide variant.
Coding change: c.103A>G on transcript NM_015158.5 (MANE Select); coding-DNA position 103, A replaced by G.
Protein change: p.Thr35Ala; replaces threonine 35 with alanine.
Molecular consequence: missense variant. On other transcripts: 5 prime UTR variant (12), non-coding transcript variant (1).
Genome position (GRCh38, 1-based): chr9:710,869, A>G. VCF-style: chr9-710869-A-G. GRCh37 (hg19) VCF-style: chr9-710869-A-G.
Other names: c.103A>G, p.Thr35Ala (NM_001256876.3, NM_001256877.3, NM_001354331.2 and 2 more transcripts); c.-372A>G (NM_001354333.2, NM_001354335.2, NM_001354336.2 and 9 more transcripts); c.103A>G (NM_015158.2); short protein forms T35A.
Identifiers: ClinVar variation 2978541 (VCV002978541.4), dbSNP rs773548788, ClinGen allele CA4959844.

ClinVar aggregate classification (germline): Conflicting classifications of pathogenicity. Review status: criteria provided, conflicting classifications (1 of 4 stars). 2 submissions from 2 submitters: Uncertain significance (1); Likely benign (1). Last evaluated 2024-09-30.

Allele frequency attached by ClinVar (database versions not stated): gnomAD exomes below 0.00001; TOPMed 0.00001; ExAC 0.00002.
gnomAD v4.1: 5 of 1,613,528 alleles (0.00031%); highest among the groups gnomAD compares: Admixed American, 0.0067%; no homozygotes.

Submissions (2):

Ambry Genetics
Classification: Likely benign. Last evaluated: 2024-09-30. Review status: criteria provided, single submitter. Criteria: Ambry Variant Classification Scheme 2023. Collection method: clinical testing. Allele origin: germline.

Labcorp Genetics (formerly Invitae), Labcorp
Classification: Uncertain significance. Last evaluated: 2022-12-05. Review status: criteria provided, single submitter. Criteria: Invitae Variant Classification Sherloc (09022015). Collection method: clinical testing. Allele origin: germline.
Comment: In summary, the available evidence is currently insufficient to determine the role of this variant in disease. Therefore, it has been classified as a Variant of Uncertain Significance. Algorithms developed to predict the effect of missense changes on protein structure and function are either unavailable or do not agree on the potential impact of this missense change (SIFT: "Tolerated"; PolyPhen-2: "Possibly Damaging"; Align-GVGD: "Class C0"). This variant has not been reported in the literature in individuals affected with KANK1-related conditions. This variant is present in population databases (rs773548788, gnomAD 0.009%). This sequence change replaces threonine, which is neutral and polar, with alanine, which is neutral and non-polar, at codon 35 of the KANK1 protein (p.Thr35Ala).